The following is an entry in ClinVar:

ClinVar aggregate classification (germline): Uncertain significance (1 of 4 stars; one submission).

gnomAD v4.1: 3 of 1,603,018 alleles (0.00019%); highest among the groups gnomAD compares: Non-Finnish European, 0.00017%; no homozygotes.

Submission:

Ambry Genetics
Classification: Uncertain significance. Last evaluated: 2025-09-22. Review status: criteria provided, single submitter. Criteria: Ambry Variant Classification Scheme 2023. Collection method: clinical testing. Allele origin: germline.
Comment: The p.A237V variant (also known as c.710C>T), located in coding exon 5 of the ATRIP gene, results from a C to T substitution at nucleotide position 710. The alanine at codon 237 is replaced by valine, an amino acid with similar properties. This amino acid position is conserved. In addition, this alteration is predicted to be tolerated by in silico analysis. Based on the available evidence, the clinical significance of this variant remains unclear.

NM_130384.3(ATRIP):c.710C>T (p.Ala237Val)

Genes: ATRIP (ATR interacting protein; plus strand), ATRIP-TREX1 (ATRIP-TREX1 readthrough; plus strand). Cytogenetic location: 3p21.31.
Variant type: single nucleotide variant.
Coding change: c.710C>T on transcript NM_130384.3 (MANE Select); coding-DNA position 710, C replaced by T.
Protein change: p.Ala237Val; replaces alanine 237 with valine.
Molecular consequence: missense variant. On other transcripts: non-coding transcript variant (1).
Genome position (GRCh38, 1-based): chr3:48,457,297, C>T. VCF-style: chr3-48457297-C-T. GRCh37 (hg19) VCF-style: chr3-48498697-C-T.
Other names: c.329C>T, p.Ala110Val (NM_001271022.2); c.431C>T, p.Ala144Val (NM_001271023.2); c.710C>T, p.Ala237Val (NM_032166.4); short protein forms A110V, A144V, A237V.
Identifiers: ClinVar variation 4644513 (VCV004644513.1).